The following is an entry in ClinVar:

NM_203447.4(DOCK8):c.5396T>A (p.Phe1799Tyr)

Gene: DOCK8 (dedicator of cytokinesis 8; plus strand). Cytogenetic location: 9p24.3.
Variant type: single nucleotide variant.
Coding change: c.5396T>A on transcript NM_203447.4 (MANE Select); coding-DNA position 5396, T replaced by A.
Protein change: p.Phe1799Tyr; replaces phenylalanine 1799 with tyrosine.
Molecular consequence: missense variant.
Genome position (GRCh38, 1-based): chr9:441,915, T>A. VCF-style: chr9-441915-T-A. GRCh37 (hg19) VCF-style: chr9-441915-T-A.
Other names: c.5396T>A (NM_203447.3); c.5096T>A, p.Phe1699Tyr (NM_001190458.2); c.5192T>A, p.Phe1731Tyr (NM_001193536.2); short protein forms F1699Y, F1799Y, F1731Y.
Identifiers: ClinVar variation 1469045 (VCV001469045.10), dbSNP rs2131813614, ClinGen allele CA372768320.

ClinVar aggregate classification (germline): Uncertain significance. Review status: criteria provided, multiple submitters, no conflicts (2 of 4 stars). 2 submissions from 2 submitters: Uncertain significance (2). Last evaluated 2023-08-08.

Conditions:
Inborn genetic diseases. Identifiers: MedGen C0950123, MeSH D030342.
Combined immunodeficiency due to DOCK8 deficiency (HIES2). Also called: HIES autosomal recessive; HYPER-IgE RECURRENT INFECTION SYNDROME 2, AUTOSOMAL RECESSIVE; HYPER-IgE SYNDROME 2, AUTOSOMAL RECESSIVE, WITH RECURRENT INFECTIONS; Hyper-IgE recurrent infection syndrome, autosomal recessive; DOCK8 Deficiency. Identifiers: Orphanet 217390, MedGen C4722305, MONDO:0009478, OMIM 243700.

Allele frequency attached by ClinVar (database versions not stated): gnomAD exomes below 0.00001.
gnomAD v4.1: 3 of 1,614,176 alleles (0.00019%); highest among the groups gnomAD compares: Non-Finnish European, 0.00025%; no homozygotes.

Submissions (2):

Ambry Genetics
Classification: Uncertain significance for Inborn genetic diseases. Last evaluated: 2023-08-08. Review status: criteria provided, single submitter. Criteria: Ambry Variant Classification Scheme 2023. Collection method: clinical testing. Allele origin: germline.

Labcorp Genetics (formerly Invitae), Labcorp
Classification: Uncertain significance for Combined immunodeficiency due to DOCK8 deficiency. Last evaluated: 2021-01-08. Review status: criteria provided, single submitter. Criteria: Invitae Variant Classification Sherloc (09022015). Collection method: clinical testing. Allele origin: germline.
Comment: This sequence change replaces phenylalanine with tyrosine at codon 1799 of the DOCK8 protein (p.Phe1799Tyr). The phenylalanine residue is highly conserved and there is a small physicochemical difference between phenylalanine and tyrosine. This variant is not present in population databases (ExAC no frequency). This variant has not been reported in the literature in individuals with DOCK8-related conditions. Algorithms developed to predict the effect of missense changes on protein structure and function are either unavailable or do not agree on the potential impact of this missense change (SIFT: "Deleterious"; PolyPhen-2: "Probably Damaging"; Align-GVGD: "Class C0"). In summary, the available evidence is currently insufficient to determine the role of this variant in disease. Therefore, it has been classified as a Variant of Uncertain Significance.